The following is an entry in ClinVar:

ClinVar aggregate classification (germline): Uncertain significance. Review status: criteria provided, multiple submitters, no conflicts (2 of 4 stars). 2 submissions from 2 submitters: Uncertain significance (2). Last evaluated 2025-07-21.

Conditions:
Cardiofaciocutaneous syndrome 4 (CFC4). Also called: MAP2K2-Related Cardiofaciocutaneous Syndrome. Identifiers: Orphanet 1340, MedGen C3809007, MONDO:0014114, OMIM 615280.
RASopathy. Also called: rasopathies; Noonan spectrum disorder. Identifiers: Orphanet 536391, MedGen C5555857, MONDO:0021060.

Allele frequency attached by ClinVar (database versions not stated): gnomAD 0.00001; gnomAD exomes 0.00001; TOPMed below 0.00001.
gnomAD v4.1: 12 of 1,551,170 alleles (0.00077%); highest among the groups gnomAD compares: African/African-American, 0.0027%; no homozygotes.

Submissions (2):

Labcorp Genetics (formerly Invitae), Labcorp
Classification: Uncertain significance for RASopathy. Last evaluated: 2025-07-21. Review status: criteria provided, single submitter. Criteria: Invitae Variant Classification Sherloc (09022015). Collection method: clinical testing. Allele origin: germline.
Comment: This sequence change replaces glycine, which is neutral and non-polar, with serine, which is neutral and polar, at codon 336 of the MAP2K2 protein (p.Gly336Ser). This variant is not present in population databases (gnomAD no frequency). This variant has not been reported in the literature in individuals affected with MAP2K2-related conditions. ClinVar contains an entry for this variant (Variation ID: 649050). Invitae Evidence Modeling incorporating data from in vitro experimental studies (internal data) indicates that this missense variant is not expected to disrupt MAP2K2 function with a negative predictive value of 95%. In summary, the available evidence is currently insufficient to determine the role of this variant in disease. Therefore, it has been classified as a Variant of Uncertain Significance.

Fulgent Genetics
Classification: Uncertain significance for Cardiofaciocutaneous syndrome 4. Last evaluated: 2024-05-16. Review status: criteria provided, single submitter. Criteria: ACMG Guidelines, 2015. Collection method: clinical testing. Allele origin: germline.

NM_030662.4(MAP2K2):c.1006G>A (p.Gly336Ser)

Gene: MAP2K2 (mitogen-activated protein kinase kinase 2; minus strand). Cytogenetic location: 19p13.3.
Variant type: single nucleotide variant.
Coding change: c.1006G>A on transcript NM_030662.4 (MANE Select); coding-DNA position 1006, G replaced by A.
Protein change: p.Gly336Ser; replaces glycine 336 with serine.
Molecular consequence: missense variant.
Genome position (GRCh38, 1-based): chr19:4,095,428, C>T on the plus strand (G>A on the coding strand, the complement: MAP2K2 is on the minus strand). VCF-style: chr19-4095428-C-T. GRCh37 (hg19) VCF-style: chr19-4095426-C-T.
Other names: short protein forms G336S.
Identifiers: ClinVar variation 649050 (VCV000649050.9), dbSNP rs1599282416, ClinGen allele CA403383387.